The following is an entry in ClinVar:

NM_133459.4(CCBE1):c.477C>A (p.Cys159Ter)

Gene: CCBE1 (collagen and calcium binding EGF domains 1; minus strand). Cytogenetic location: 18q21.32.
Variant type: single nucleotide variant.
Coding change: c.477C>A on transcript NM_133459.4 (MANE Select); coding-DNA position 477, C replaced by A.
Protein change: p.Cys159Ter; replaces cysteine 159 with a stop codon.
Molecular consequence: nonsense.
Genome position (GRCh38, 1-based): chr18:59,466,815, G>T on the plus strand (C>A on the coding strand, the complement: CCBE1 is on the minus strand). VCF-style: chr18-59466815-G-T. GRCh37 (hg19) VCF-style: chr18-57134047-G-T.
Other names: short protein forms C159*.
Identifiers: ClinVar variation 1954352 (VCV001954352.2), dbSNP rs149268172, ClinGen allele CA402591781.

ClinVar aggregate classification (germline): Pathogenic (1 of 4 stars; one submission).

Submission:

Labcorp Genetics (formerly Invitae), Labcorp
Classification: Pathogenic. Last evaluated: 2022-04-23. Review status: criteria provided, single submitter. Criteria: Invitae Variant Classification Sherloc (09022015). Collection method: clinical testing. Allele origin: germline.
Comment: This sequence change creates a premature translational stop signal (p.Cys159*) in the CCBE1 gene. It is expected to result in an absent or disrupted protein product. Loss-of-function variants in CCBE1 are known to be pathogenic (PMID: 19935664, 21778431, 26686525). This variant is not present in population databases (gnomAD no frequency). This variant has not been reported in the literature in individuals affected with CCBE1-related conditions. For these reasons, this variant has been classified as Pathogenic.

Literature cited by the submitters: PubMed 19935664; PubMed 21778431; PubMed 26686525.